The following is an entry in ClinVar:

NM_002661.5(PLCG2):c.2237A>G (p.Glu746Gly)

Gene: PLCG2 (phospholipase C gamma 2; plus strand). Cytogenetic location: 16q23.3.
Variant type: single nucleotide variant.
Coding change: c.2237A>G on transcript NM_002661.5 (MANE Select); coding-DNA position 2237, A replaced by G.
Protein change: p.Glu746Gly; replaces glutamic acid 746 with glycine.
Molecular consequence: missense variant.
Genome position (GRCh38, 1-based): chr16:81,921,199, A>G. VCF-style: chr16-81921199-A-G. GRCh37 (hg19) VCF-style: chr16-81954804-A-G.
Other names: c.2237A>G, p.Glu746Gly (NM_001425749.1, NM_001425750.1, NM_001425751.1); short protein forms E746G.
Identifiers: ClinVar variation 4741289 (VCV004741289.1).

ClinVar aggregate classification (germline): Uncertain significance (1 of 4 stars; one submission).

Conditions:
Familial cold autoinflammatory syndrome 3 (FCAS3). Also called: FAMILIAL ATYPICAL COLD URTICARIA; ANTIBODY DEFICIENCY AND IMMUNE DYSREGULATION, PLCG2-ASSOCIATED. Identifiers: Orphanet 300359, MedGen C3280914, MONDO:0013766, OMIM 614468.

Submission:

Labcorp Genetics (formerly Invitae), Labcorp
Classification: Uncertain significance for Familial cold autoinflammatory syndrome 3. Last evaluated: 2025-04-23. Review status: criteria provided, single submitter. Criteria: Invitae Variant Classification Sherloc (09022015). Collection method: clinical testing. Allele origin: germline.
Comment: This sequence change replaces glutamic acid, which is acidic and polar, with glycine, which is neutral and non-polar, at codon 746 of the PLCG2 protein (p.Glu746Gly). This variant is not present in population databases (gnomAD no frequency). This variant has not been reported in the literature in individuals affected with PLCG2-related conditions. An algorithm developed to predict the effect of missense changes on protein structure and function (PolyPhen-2) suggests that this variant is likely to be tolerated. In summary, the available evidence is currently insufficient to determine the role of this variant in disease. Therefore, it has been classified as a Variant of Uncertain Significance.